The following is an entry in ClinVar:

NM_001036.6(RYR3):c.10196A>G (p.His3399Arg)

Gene: RYR3 (ryanodine receptor 3; plus strand). Cytogenetic location: 15q14.
Variant type: single nucleotide variant.
Coding change: c.10196A>G on transcript NM_001036.6 (MANE Select); coding-DNA position 10196, A replaced by G.
Protein change: p.His3399Arg; replaces histidine 3399 with arginine.
Molecular consequence: missense variant.
Genome position (GRCh38, 1-based): chr15:33,810,648, A>G. VCF-style: chr15-33810648-A-G. GRCh37 (hg19) VCF-style: chr15-34102849-A-G.
Other names: c.10181A>G, p.His3394Arg (NM_001243996.4); short protein forms H3394R, H3399R.
Identifiers: ClinVar variation 3025187 (VCV003025187.22), dbSNP rs1268841880, ClinGen allele CA391582255.

ClinVar aggregate classification (germline): Uncertain significance (1 of 4 stars; one submission).

Allele frequency attached by ClinVar (database versions not stated): gnomAD exomes below 0.00001; TOPMed below 0.00001; gnomAD 0.00001.
gnomAD v4.1: 5 of 1,613,892 alleles (0.00031%); highest among the groups gnomAD compares: Non-Finnish European, 0.00034%; no homozygotes.

Submission:

CeGaT Center for Human Genetics Tuebingen
Classification: Uncertain significance. Last evaluated: 2024-01-01. Review status: criteria provided, single submitter. Criteria: CeGaT Center For Human Genetics Tuebingen Variant Classification Criteria Version 2. Collection method: clinical testing. Allele origin: germline. Affected: yes. Observed: 1 variant allele.
Comment: RYR3: PM2, BP4